The following is an entry in ClinVar:

NM_130384.3(ATRIP):c.841C>T (p.His281Tyr)

Genes: ATRIP (ATR interacting protein; plus strand), ATRIP-TREX1 (ATRIP-TREX1 readthrough; plus strand). Cytogenetic location: 3p21.31.
Variant type: single nucleotide variant.
Coding change: c.841C>T on transcript NM_130384.3 (MANE Select); coding-DNA position 841, C replaced by T.
Protein change: p.His281Tyr; replaces histidine 281 with tyrosine.
Molecular consequence: missense variant. On other transcripts: non-coding transcript variant (1).
Genome position (GRCh38, 1-based): chr3:48,459,370, C>T. VCF-style: chr3-48459370-C-T. GRCh37 (hg19) VCF-style: chr3-48500769-C-T.
Other names: c.460C>T, p.His154Tyr (NM_001271022.2); c.562C>T, p.His188Tyr (NM_001271023.2); c.841C>T, p.His281Tyr (NM_032166.4); short protein forms H154Y, H188Y, H281Y.
Identifiers: ClinVar variation 5032411 (VCV005032411.1).
Genomic context (GRCh38, chr3:48,459,370, plus strand): 5'-GCCCATGCTTCTGGGCTCAAGTTTTGATTTACATTTTATCACATTTCAGATAGTAAGCCC[C>T]ACAGTCTGAGAGGTGACTCCATAAAACAAGAAGAGGCCCAGAAAAGCTTTGTTGACAGCT-3'
Protein context (NP_569055.1, residues 271-291): PLVGREDSKP[His281Tyr]SLRGDSIKQE

ClinVar aggregate classification (germline): Uncertain significance (1 of 4 stars; one submission).

Submission:

Ambry Genetics
Classification: Uncertain significance. Last evaluated: 2026-06-27. Review status: criteria provided, single submitter. Criteria: Ambry Variant Classification Scheme 2023. Collection method: clinical testing. Allele origin: germline.
Comment: The p.H281Y variant (also known as c.841C>T), located in coding exon 6 of the ATRIP gene, results from a C to T substitution at nucleotide position 841. The histidine at codon 281 is replaced by tyrosine, an amino acid with similar properties. This amino acid position is conserved. In addition, this alteration is predicted to be tolerated by in silico analysis. Based on the available evidence, the clinical significance of this variant remains unclear.